The following is an entry in ClinVar:

NM_015335.5(MED13L):c.1991C>T (p.Ser664Leu)

Gene: MED13L (mediator complex subunit 13L; minus strand). Cytogenetic location: 12q24.21.
Variant type: single nucleotide variant.
Coding change: c.1991C>T on transcript NM_015335.5 (MANE Select); coding-DNA position 1991, C replaced by T.
Protein change: p.Ser664Leu; replaces serine 664 with leucine.
Molecular consequence: missense variant.
Genome position (GRCh38, 1-based): chr12:116,008,422, G>A on the plus strand (C>T on the coding strand, the complement: MED13L is on the minus strand). VCF-style: chr12-116008422-G-A. GRCh37 (hg19) VCF-style: chr12-116446227-G-A.
Other names: short protein forms S664L.
Identifiers: ClinVar variation 3376243 (VCV003376243.1).

ClinVar aggregate classification (germline): Uncertain significance (1 of 4 stars; one submission).

Conditions:
Cardiac anomalies - developmental delay - facial dysmorphism syndrome (MRFACD). Also called: Impaired intellectual development and distinctive facial features with or without cardiac defects; MED13L Syndrome. Identifiers: Orphanet 369891, MedGen C5192431, MONDO:0014773, OMIM 616789.

gnomAD v4.1: 11 of 1,611,350 alleles (0.00068%); highest among the groups gnomAD compares: Non-Finnish European, 0.00093%; no homozygotes.

Submission:

Pittsburgh Clinical Genomics Laboratory, University of Pittsburgh Medical Center
Classification: Uncertain significance for Cardiac anomalies - developmental delay - facial dysmorphism syndrome. Last evaluated: 2021-08-03. Review status: criteria provided, single submitter. Criteria: ACMG Guidelines, 2015. Collection method: clinical testing. Allele origin: germline. Inheritance: Autosomal dominant inheritance. Affected: yes.
Comment: This sequence variant is a single nucleotide substitution (C>T) which results in a serine to leucine amino acid change at residue 664 of the MED13L protein. This variant has not been previously reported in medical genetics databases or literature in individuals with MED13L-related disease, to our knowledge. This variant is rare in the gnomAD control population dataset (2/249920 alleles, 0.0008%). Ser664 occurs near a LXXLL receptor-binding motif at amino acid residues 669-673 (Uniprot). Multiple bioinformatic tools predict that this serine to leucine amino acid change is likely to be tolerated, and the Ser664 residue is moderately conserved in mammals. At this time, there is insufficient evidence to determine if this variant is pathogenic or benign. Therefore, we consider it to be a variant of uncertain significance. ACMG Criteria: BP4, PM2